The following is an entry in ClinVar:

NM_001354604.2(MITF):c.582+10G>A

Gene: MITF (melanocyte inducing transcription factor; plus strand). Cytogenetic location: 3p13.
Variant type: single nucleotide variant.
Coding change: c.582+10G>A on transcript NM_001354604.2 (MANE Select); 10 bases into the intron after coding-DNA position 582, G replaced by A.
Molecular consequence: intron variant.
Genome position (GRCh38, 1-based): chr3:69,938,059, G>A. VCF-style: chr3-69938059-G-A. GRCh37 (hg19) VCF-style: chr3-69987210-G-A.
Other names: c.261+10G>A (NM_000248.3, NM_000248.4, NM_198158.3 and 1 more transcripts); c.531+10G>A (NM_001354607.2); c.426+10G>A (NM_001354608.2, NM_001184967.2); c.582+10G>A (NM_198159.3); c.579+10G>A (NM_001354605.2, NM_001354606.2, NM_006722.3); c.534+10G>A (NM_198177.3); c.93+178G>A (NM_198178.3).
Identifiers: ClinVar variation 2930185 (VCV002930185.5), dbSNP rs1468292858, ClinGen allele CA543809952.

ClinVar aggregate classification (germline): Likely benign. Review status: criteria provided, single submitter (1 of 4 stars). 2 submissions from 2 submitters: Likely benign (1). 1 of the submissions does not count toward it. Last evaluated 2026-01-16.

Conditions:
Melanoma, cutaneous malignant, susceptibility to, 8. Also called: Cutaneous malignant melanoma 8; MELANOMA AND RENAL CELL CARCINOMA, SUSCEPTIBILITY TO. Identifiers: Orphanet 293822, MedGen C3152204, MONDO:0013759, OMIM 614456.
Tietz syndrome (TADS). Also called: ALBINISM-DEAFNESS OF TIETZ; HYPOPIGMENTATION/DEAFNESS OF TIETZ; TIETZ ALBINISM-DEAFNESS SYNDROME. Identifiers: Orphanet 42665, MedGen C0391816, MONDO:0007077, OMIM 103500.
Waardenburg syndrome type 2A (WS2A). Also called: WAARDENBURG SYNDROME WITHOUT DYSTOPIA CANTHORUM. Identifiers: Orphanet 3440, MedGen C1860339, MONDO:0008671, OMIM 193510.
MITF-related disorder. Also called: MITF-related condition.

Allele frequency attached by ClinVar (database versions not stated): gnomAD exomes 0.00001; TOPMed 0.00001.
gnomAD v4.1: 15 of 1,609,838 alleles (0.00093%); highest among the groups gnomAD compares: Non-Finnish European, 0.0012%; no homozygotes.

Submissions (2):

Labcorp Genetics (formerly Invitae), Labcorp
Classification: Likely benign for Melanoma, cutaneous malignant, susceptibility to, 8; Waardenburg syndrome type 2A; Tietz syndrome. Last evaluated: 2026-01-16. Review status: criteria provided, single submitter. Criteria: Invitae Variant Classification Sherloc (09022015). Collection method: clinical testing. Allele origin: germline.

PreventionGenetics, part of Exact Sciences
Classification: Likely benign for MITF-related condition. Last evaluated: 2023-06-01. Review status: no assertion criteria provided. Collection method: clinical testing. Allele origin: germline. Not counted in ClinVar's aggregate classification.
Comment: This variant is classified as likely benign based on ACMG/AMP sequence variant interpretation guidelines (Richards et al. 2015 PMID: 25741868, with internal and published modifications).